The following is an entry in ClinVar:

ClinVar aggregate classification (germline): Uncertain significance (0 of 4 stars; one submission).

Submission:

Genetic Services Laboratory, University of Chicago
Classification: Uncertain significance. Last evaluated: 2022-07-12. Review status: no assertion criteria provided. Collection method: clinical testing. Allele origin: germline. Affected: no.
Comment: DNA sequence analysis of the ALG8 gene demonstrated a sequence change, c.811C>T, in exon 8 that results in an amino acid change, p.Pro271Ser. This sequence change does not appear to have been previously described in individuals with ALG8-related disorders and has also not been described in population databases such as ExAC and gnomAD. The p.Pro271Ser change affects a highly conserved amino acid residue located in a domain of the ALG8 protein that is not known to be functional. In-silico pathogenicity prediction tools (SIFT, PolyPhen2, Align GVGD, REVEL) provide contradictory results for the p.Pro271Ser substitution. Due to insufficient evidences and the lack of functional studies, the clinical significance of the p.Pro271Ser change remains unknown at this time.

NM_024079.5(ALG8):c.811C>T (p.Pro271Ser)

Gene: ALG8 (ALG8 alpha-1,3-glucosyltransferase; minus strand). Cytogenetic location: 11q14.1.
Variant type: single nucleotide variant.
Coding change: c.811C>T on transcript NM_024079.5 (MANE Select); coding-DNA position 811, C replaced by T.
Protein change: p.Pro271Ser; replaces proline 271 with serine.
Molecular consequence: missense variant.
Genome position (GRCh38, 1-based): chr11:78,112,737, G>A on the plus strand (C>T on the coding strand, the complement: ALG8 is on the minus strand). VCF-style: chr11-78112737-G-A. GRCh37 (hg19) VCF-style: chr11-77823783-G-A.
Other names: c.811C>T, p.Pro271Ser (NM_001007027.3); short protein forms P271S.
Identifiers: ClinVar variation 2443113 (VCV002443113.2), dbSNP rs780786874, ClinGen allele CA382116250.